The following is an entry in ClinVar:

NM_004006.3(DMD):c.8217+26284C>A

Gene: DMD (dystrophin; minus strand). Cytogenetic location: Xp21.1.
Variant type: single nucleotide variant.
Coding change: c.8217+26284C>A on transcript NM_004006.3 (MANE Select); 26284 bases into the intron after coding-DNA position 8217, C replaced by A.
Molecular consequence: intron variant.
Genome position (GRCh38, 1-based): chrX:31,601,389, G>T on the plus strand (C>A on the coding strand, the complement: DMD is on the minus strand). VCF-style: chrX-31601389-G-T. GRCh37 (hg19) VCF-style: chrX-31619506-G-T.
Other names: c.8193+26284C>A (NM_000109.4); c.4194+26284C>A (NM_004011.4); c.4185+26284C>A (NM_004012.4); c.837+26284C>A (NM_004023.3, NM_004020.4, NM_004022.3 and 2 more transcripts); c.8205+26284C>A (NM_004009.3); c.7848+26284C>A (NM_004010.3).
Identifiers: ClinVar variation 4855475 (VCV004855475.1).

ClinVar aggregate classification (germline): Uncertain significance (1 of 4 stars; one submission).

Conditions:
Duchenne muscular dystrophy (DMD). Also called: Duchenne Muscular Dystrophy (DMD); MUSCULAR DYSTROPHY, PSEUDOHYPERTROPHIC PROGRESSIVE, DUCHENNE TYPE. Identifiers: Orphanet 98896, MedGen C0013264, MONDO:0010679, OMIM 310200.

Submission:

3billion
Classification: Uncertain significance for Duchenne muscular dystrophy. Last evaluated: 2026-01-19. Review status: criteria provided, single submitter. Criteria: ACMG Guidelines, 2015. Collection method: clinical testing. Allele origin: germline. Affected: yes.
Comment: The variant is not observed in the gnomAD v4.1.0 dataset. Predicted Consequence/Location: Intron variant In silico tools predict the variant to alter splicing and produce an abnormal transcript [SpliceAI: 0.40 (>=0.2, moderate evidence for spliceogenicity)]. Therefore, this variant is classified as VUS according to the recommendation of ACMG/AMP guideline.